The following is an entry in ClinVar:

ClinVar aggregate classification (germline): Uncertain significance. Review status: criteria provided, multiple submitters, no conflicts (2 of 4 stars). 2 submissions from 2 submitters: Uncertain significance (2). Last evaluated 2024-12-07.

Conditions:
Inborn genetic diseases. Identifiers: MedGen C0950123, MeSH D030342.
Nephronophthisis. Also called: Juvenile Nephronophthisis. Identifiers: Orphanet 655, MedGen C0687120, MONDO:0019005, HP:0000090.

Allele frequency attached by ClinVar (database versions not stated): gnomAD exomes below 0.00001; TOPMed below 0.00001; gnomAD 0.00001.
gnomAD v4.1: 5 of 1,613,676 alleles (0.00031%); highest among the groups gnomAD compares: Admixed American, 0.0017%; no homozygotes.

Submissions (2):

Ambry Genetics
Classification: Uncertain significance for Inborn genetic diseases. Last evaluated: 2024-12-07. Review status: criteria provided, single submitter. Criteria: Ambry Variant Classification Scheme 2023. Collection method: clinical testing. Allele origin: germline.

Labcorp Genetics (formerly Invitae), Labcorp
Classification: Uncertain significance for Nephronophthisis. Last evaluated: 2021-04-02. Review status: criteria provided, single submitter. Criteria: Invitae Variant Classification Sherloc (09022015). Collection method: clinical testing. Allele origin: germline.
Comment: In summary, the available evidence is currently insufficient to determine the role of this variant in disease. Therefore, it has been classified as a Variant of Uncertain Significance. Algorithms developed to predict the effect of missense changes on protein structure and function are either unavailable or do not agree on the potential impact of this missense change (SIFT: "Tolerated"; PolyPhen-2: "Probably Damaging"; Align-GVGD: "Class C0"). This variant has not been reported in the literature in individuals with NPHP4-related conditions. This variant is not present in population databases (ExAC no frequency). This sequence change replaces glutamic acid with lysine at codon 642 of the NPHP4 protein (p.Glu642Lys). The glutamic acid residue is moderately conserved and there is a small physicochemical difference between glutamic acid and lysine.

NM_015102.5(NPHP4):c.1924G>A (p.Glu642Lys)

Gene: NPHP4 (nephrocystin 4; minus strand). Cytogenetic location: 1p36.31.
Variant type: single nucleotide variant.
Coding change: c.1924G>A on transcript NM_015102.5 (MANE Select); coding-DNA position 1924, G replaced by A.
Protein change: p.Glu642Lys; replaces glutamic acid 642 with lysine.
Molecular consequence: missense variant. On other transcripts: non-coding transcript variant (1).
Genome position (GRCh38, 1-based): chr1:5,905,323, C>T on the plus strand (G>A on the coding strand, the complement: NPHP4 is on the minus strand). VCF-style: chr1-5905323-C-T. GRCh37 (hg19) VCF-style: chr1-5965383-C-T.
Other names: c.385G>A, p.Glu129Lys (NM_001291593.2); c.388G>A, p.Glu130Lys (NM_001291594.2); c.1924G>A (NM_015102.3); short protein forms E129K, E130K, E642K.
Identifiers: ClinVar variation 1353159 (VCV001353159.9), dbSNP rs768739130, ClinGen allele CA338054238.